The following is an entry in ClinVar:

ClinVar aggregate classification (germline): Uncertain significance (1 of 4 stars; one submission).

Conditions:
Peroxisome biogenesis disorder 3A (Zellweger). Also called: PEROXISOMAL BIOGENESIS DISORDER 3A (ZELLWEGER); Peroxisome biogenesis disorder 3A. Identifiers: Orphanet 912, MedGen C3553929, MONDO:0013927, OMIM 614859.

Submission:

Labcorp Genetics (formerly Invitae), Labcorp
Classification: Uncertain significance for Peroxisome biogenesis disorder 3A (Zellweger). Last evaluated: 2025-03-03. Review status: criteria provided, single submitter. Criteria: Invitae Variant Classification Sherloc (09022015). Collection method: clinical testing. Allele origin: germline.
Comment: This sequence change replaces glycine, which is neutral and non-polar, with serine, which is neutral and polar, at codon 343 of the PEX12 protein (p.Gly343Ser). This variant is not present in population databases (gnomAD no frequency). This variant has not been reported in the literature in individuals affected with PEX12-related conditions. ClinVar contains an entry for this variant (Variation ID: 1400228). Invitae Evidence Modeling of protein sequence and biophysical properties (such as structural, functional, and spatial information, amino acid conservation, physicochemical variation, residue mobility, and thermodynamic stability) indicates that this missense variant is not expected to disrupt PEX12 protein function with a negative predictive value of 80%. In summary, the available evidence is currently insufficient to determine the role of this variant in disease. Therefore, it has been classified as a Variant of Uncertain Significance.

NM_000286.3(PEX12):c.1027G>A (p.Gly343Ser)

Gene: PEX12 (peroxisomal biogenesis factor 12; minus strand). Cytogenetic location: 17q12.
Variant type: single nucleotide variant.
Coding change: c.1027G>A on transcript NM_000286.3 (MANE Select); coding-DNA position 1027, G replaced by A.
Protein change: p.Gly343Ser; replaces glycine 343 with serine.
Molecular consequence: missense variant.
Genome position (GRCh38, 1-based): chr17:35,575,835, C>T on the plus strand (G>A on the coding strand, the complement: PEX12 is on the minus strand). VCF-style: chr17-35575835-C-T. GRCh37 (hg19) VCF-style: chr17-33902854-C-T.
Other names: short protein forms G343S.
Identifiers: ClinVar variation 1400228 (VCV001400228.6), dbSNP rs2142228742, ClinGen allele CA399136867.